The following is an entry in ClinVar:

ClinVar aggregate classification (germline): Uncertain significance (1 of 4 stars; one submission).

Allele frequency attached by ClinVar (database versions not stated): gnomAD exomes below 0.00001.
gnomAD v4.1: 1 of 1,211,461 alleles (0.000083%); highest among the groups gnomAD compares: Non-Finnish European, 0.00011%; no homozygotes.

Submission:

Labcorp Genetics (formerly Invitae), Labcorp
Classification: Uncertain significance. Last evaluated: 2022-07-14. Review status: criteria provided, single submitter. Criteria: Invitae Variant Classification Sherloc (09022015). Collection method: clinical testing. Allele origin: germline.
Comment: This sequence change replaces methionine, which is neutral and non-polar, with leucine, which is neutral and non-polar, at codon 674 of the CLCN4 protein (p.Met674Leu). This variant is not present in population databases (gnomAD no frequency). This variant has not been reported in the literature in individuals affected with CLCN4-related conditions. Algorithms developed to predict the effect of missense changes on protein structure and function output the following: SIFT: "Tolerated"; PolyPhen-2: "Benign"; Align-GVGD: "Class C0". The leucine amino acid residue is found in multiple mammalian species, which suggests that this missense change does not adversely affect protein function. In summary, the available evidence is currently insufficient to determine the role of this variant in disease. Therefore, it has been classified as a Variant of Uncertain Significance.

NM_001830.4(CLCN4):c.2020A>T (p.Met674Leu)

Gene: CLCN4 (chloride voltage-gated channel 4; plus strand). Cytogenetic location: Xp22.2.
Variant type: single nucleotide variant.
Coding change: c.2020A>T on transcript NM_001830.4 (MANE Select); coding-DNA position 2020, A replaced by T.
Protein change: p.Met674Leu; replaces methionine 674 with leucine.
Molecular consequence: missense variant.
Genome position (GRCh38, 1-based): chrX:10,220,705, A>T. VCF-style: chrX-10220705-A-T. GRCh37 (hg19) VCF-style: chrX-10188745-A-T.
Other names: c.1738A>T, p.Met580Leu (NM_001256944.2); short protein forms M580L, M674L.
Identifiers: ClinVar variation 1717714 (VCV001717714.5), dbSNP rs779062770, ClinGen allele CA412044276.